The following is an entry in ClinVar:

ClinVar aggregate classification (germline): Uncertain significance (1 of 4 stars; one submission).

Conditions:
TRPC5-related disorder. Also called: TRPC5-related condition.

gnomAD v4.1: 2 of 1,211,478 alleles (0.00017%); highest among the groups gnomAD compares: South Asian, 0.0035%; no homozygotes.

Submission:

PreventionGenetics, part of Exact Sciences
Classification: Uncertain significance for TRPC5-related condition. Last evaluated: 2024-11-25. Review status: criteria provided, single submitter. Criteria: ACMG Guidelines, 2015. Collection method: clinical testing. Allele origin: germline.
Comment: The TRPC5 c.584C>G variant is predicted to result in the amino acid substitution p.Ser195Cys. To our knowledge, this variant has not been reported in the literature or in a large population database (gnomAD), indicating this variant is rare. At this time, the clinical significance of this variant is uncertain due to the absence of conclusive functional and genetic evidence.

NM_012471.3(TRPC5):c.584C>G (p.Ser195Cys)

Gene: TRPC5 (transient receptor potential cation channel subfamily C member 5; minus strand). Cytogenetic location: Xq23.
Variant type: single nucleotide variant.
Coding change: c.584C>G on transcript NM_012471.3 (MANE Select); coding-DNA position 584, C replaced by G.
Protein change: p.Ser195Cys; replaces serine 195 with cysteine.
Molecular consequence: missense variant.
Genome position (GRCh38, 1-based): chrX:111,912,607, G>C on the plus strand (C>G on the coding strand, the complement: TRPC5 is on the minus strand). VCF-style: chrX-111912607-G-C. GRCh37 (hg19) VCF-style: chrX-111155835-G-C.
Other names: short protein forms S195C.
Identifiers: ClinVar variation 4985237 (VCV004985237.1).